The following is an entry in ClinVar:

NM_025216.3(WNT10A):c.409G>A (p.Ala137Thr)

Gene: WNT10A (Wnt family member 10A; plus strand). Cytogenetic location: 2q35.
Variant type: single nucleotide variant.
Coding change: c.409G>A on transcript NM_025216.3 (MANE Select); coding-DNA position 409, G replaced by A.
Protein change: p.Ala137Thr; replaces alanine 137 with threonine.
Molecular consequence: missense variant.
Genome position (GRCh38, 1-based): chr2:218,890,016, G>A. VCF-style: chr2-218890016-G-A. GRCh37 (hg19) VCF-style: chr2-219754738-G-A.
Other names: short protein forms A137T.
Identifiers: ClinVar variation 3366404 (VCV003366404.1).
Genomic context (GRCh38, chr2:218,890,016, plus strand): 5'-TCCATGTGTTCTGGGTCTTTAACCACAGGTTTCCGAGAGAGCGCTTTTGCCTACGCCATC[G>A]CAGCAGCTGGCGTGGTGCACGCCGTGTCCAATGCGTGTGCCCTGGGCAAACTGAAGGCCT-3'
Protein context (NP_079492.2, residues 127-147): FRESAFAYAI[Ala137Thr]AAGVVHAVSN

ClinVar aggregate classification (germline): Uncertain significance (1 of 4 stars; one submission).

gnomAD v4.1: 10 of 1,613,558 alleles (0.00062%); highest among the groups gnomAD compares: Non-Finnish European, 0.00076%; no homozygotes.

Submission:

Women's Health and Genetics/Laboratory Corporation of America, LabCorp
Classification: Uncertain significance. Last evaluated: 2024-08-08. Review status: criteria provided, single submitter. Criteria: LabCorp Variant Classification Summary - May 2015. Collection method: clinical testing. Allele origin: germline.
Comment: Variant summary: WNT10A c.409G>A (p.Ala137Thr) results in a non-conservative amino acid change in the encoded protein sequence. Three of five in-silico tools predict a benign effect of the variant on protein function. The variant allele was found at a frequency of 8e-06 in 251332 control chromosomes. The available data on variant occurrences in the general population are insufficient to allow any conclusion about variant significance. c.409G>A has been reported in the literature in at least one individual affected with tooth agenesis (e.g. Song_2014). This report does not provide unequivocal conclusions about association of the variant with Odonto-onycho-dermal dysplasia. To our knowledge, no experimental evidence demonstrating an impact on protein function has been reported. The following publication has been ascertained in the context of this evaluation (PMID: 24043634). No submitters have cited clinical-significance assessments for this variant to ClinVar. Based on the evidence outlined above, the variant was classified as uncertain significance.

Literature cited by the submitters: PubMed 24043634.